The following is an entry in ClinVar:

NM_032776.3(JMJD1C):c.6491A>G (p.Glu2164Gly)

Gene: JMJD1C (jumonji domain containing 1C; minus strand). Cytogenetic location: 10q21.3.
Variant type: single nucleotide variant.
Coding change: c.6491A>G on transcript NM_032776.3 (MANE Select); coding-DNA position 6491, A replaced by G.
Protein change: p.Glu2164Gly; replaces glutamic acid 2164 with glycine.
Molecular consequence: missense variant. On other transcripts: non-coding transcript variant (1).
Genome position (GRCh38, 1-based): chr10:63,189,247, T>C on the plus strand (A>G on the coding strand, the complement: JMJD1C is on the minus strand). VCF-style: chr10-63189247-T-C. GRCh37 (hg19) VCF-style: chr10-64949007-T-C.
Other names: c.5945A>G, p.Glu1982Gly (NM_001282948.2, NM_001318154.2); c.5627A>G, p.Glu1876Gly (NM_001318153.2); c.6377A>G, p.Glu2126Gly (NM_001322252.2); c.5834A>G, p.Glu1945Gly (NM_001322254.2, NM_001322258.2); short protein forms E1876G, E1945G, E1982G, E2126G, E2164G.
Identifiers: ClinVar variation 1486007 (VCV001486007.7), dbSNP rs371983340, ClinGen allele CA5517866.
Genomic context (GRCh38, chr10:63,189,247, plus strand): 5'-TCTTTGAAAAGCTTCCAATTACTGCTATTCTTATAATCCTTAAGCCATAAAATATGCTTC[T>C]CACAGATCCAAGAATGTGGTATATCACTGTATAATTTATTATTTTCATCCACTGCAGATA-3'
Protein context (NP_116165.1, residues 2154-2174): YSDIPHSWIC[Glu2164Gly]KHILWLKDYK

ClinVar aggregate classification (germline): Uncertain significance (1 of 4 stars; one submission).

Conditions:
Early Myoclonic Encephalopathy. Identifiers: MedGen C0270855.

Allele frequency attached by ClinVar (database versions not stated): gnomAD exomes 0.00001 and below 0.00001; gnomAD 0.00006; 1000 Genomes Project 30x 0.00016; ExAC 0.00002; TOPMed 0.00004; ESP Exome Variant Server 0.00008; 1000 Genomes Project 0.00020.
gnomAD v4.1: 10 of 1,613,082 alleles (0.00062%); highest among the groups gnomAD compares: African/African-American, 0.013%; no homozygotes.

Submission:

Labcorp Genetics (formerly Invitae), Labcorp
Classification: Uncertain significance for Early Myoclonic Encephalopathy. Last evaluated: 2023-06-05. Review status: criteria provided, single submitter. Criteria: Invitae Variant Classification Sherloc (09022015). Collection method: clinical testing. Allele origin: germline.
Comment: This sequence change replaces glutamic acid, which is acidic and polar, with glycine, which is neutral and non-polar, at codon 2164 of the JMJD1C protein (p.Glu2164Gly). This variant is present in population databases (rs371983340, gnomAD 0.02%). In summary, the available evidence is currently insufficient to determine the role of this variant in disease. Therefore, it has been classified as a Variant of Uncertain Significance. Advanced modeling of protein sequence and biophysical properties (such as structural, functional, and spatial information, amino acid conservation, physicochemical variation, residue mobility, and thermodynamic stability) performed at Invitae indicates that this missense variant is not expected to disrupt JMJD1C protein function. ClinVar contains an entry for this variant (Variation ID: 1486007). This variant has not been reported in the literature in individuals affected with JMJD1C-related conditions.